The following is an entry in ClinVar:

ClinVar aggregate classification (germline): Uncertain significance (1 of 4 stars; one submission).

Allele frequency attached by ClinVar (database versions not stated): ExAC 0.00002; gnomAD exomes 0.00002.
gnomAD v4.1: 4 of 1,602,208 alleles (0.00025%); highest among the groups gnomAD compares: Admixed American, 0.0068%; no homozygotes.

Submission:

GeneDx
Classification: Uncertain significance. Last evaluated: 2019-11-08. Review status: criteria provided, single submitter. Criteria: GeneDx Variant Classification Process June 2021. Collection method: clinical testing. Allele origin: germline. Affected: yes.
Comment: In silico analysis, which includes protein predictors and evolutionary conservation, supports that this variant does not alter protein structure/function; Has not been previously published as pathogenic or benign to our knowledge

NM_178138.6(LHX3):c.857C>T (p.Pro286Leu)

Gene: LHX3 (LIM homeobox 3; minus strand). Cytogenetic location: 9q34.3.
Variant type: single nucleotide variant.
Coding change: c.857C>T on transcript NM_178138.6 (MANE Select); coding-DNA position 857, C replaced by T.
Protein change: p.Pro286Leu; replaces proline 286 with leucine.
Molecular consequence: missense variant.
Genome position (GRCh38, 1-based): chr9:136,197,662, G>A on the plus strand (C>T on the coding strand, the complement: LHX3 is on the minus strand). VCF-style: chr9-136197662-G-A. GRCh37 (hg19) VCF-style: chr9-139089508-G-A.
Other names: c.824C>T, p.Pro275Leu (NM_001363746.1); c.872C>T, p.Pro291Leu (NM_014564.5); short protein forms P275L, P286L, P291L.
Identifiers: ClinVar variation 1310326 (VCV001310326.2), dbSNP rs772362157, ClinGen allele CA5330307.